The following is an entry in ClinVar:

ClinVar aggregate classification (germline): Uncertain significance (1 of 4 stars; one submission).

Conditions:
Combined oxidative phosphorylation defect type 14. Also called: Combined oxidative phosphorylation deficiency 14. Identifiers: Orphanet 319519, MedGen C4755312, MONDO:0013986, OMIM 614946.

gnomAD v4.1: 6 of 1,614,198 alleles (0.00037%); highest among the groups gnomAD compares: Non-Finnish European, 0.00051%; no homozygotes.

Submission:

Labcorp Genetics (formerly Invitae), Labcorp
Classification: Uncertain significance for Combined oxidative phosphorylation defect type 14. Last evaluated: 2021-12-09. Review status: criteria provided, single submitter. Criteria: Invitae Variant Classification Sherloc (09022015). Collection method: clinical testing. Allele origin: germline.
Comment: This sequence change replaces alanine, which is neutral and non-polar, with glutamic acid, which is acidic and polar, at codon 38 of the FARS2 protein (p.Ala38Glu). This variant is not present in population databases (gnomAD no frequency). This variant has not been reported in the literature in individuals affected with FARS2-related conditions. Advanced modeling of protein sequence and biophysical properties (such as structural, functional, and spatial information, amino acid conservation, physicochemical variation, residue mobility, and thermodynamic stability) performed at Invitae indicates that this missense variant is not expected to disrupt FARS2 protein function. In summary, the available evidence is currently insufficient to determine the role of this variant in disease. Therefore, it has been classified as a Variant of Uncertain Significance.

NM_006567.5(FARS2):c.113C>A (p.Ala38Glu)

Genes: FARS2 (phenylalanyl-tRNA synthetase 2, mitochondrial; plus strand), LOC126859565 (CDK7 strongly-dependent group 2 enhancer GRCh37_chr6:5368745-5369944; plus strand). Cytogenetic location: 6p25.1.
Variant type: single nucleotide variant.
Coding change: c.113C>A on transcript NM_006567.5 (MANE Select); coding-DNA position 113, C replaced by A.
Protein change: p.Ala38Glu; replaces alanine 38 with glutamic acid.
Molecular consequence: missense variant. On other transcripts: intron variant (2).
Genome position (GRCh38, 1-based): chr6:5,368,683, C>A. VCF-style: chr6-5368683-C-A. GRCh37 (hg19) VCF-style: chr6-5368916-C-A.
Other names: c.113C>A, p.Ala38Glu (NM_001318872.2, NM_001374875.1, NM_001374876.1 and 5 more transcripts); c.-340-27950C>A (NM_001375260.1); c.-84-35859C>A (NM_001375259.1); short protein forms A38E.
Identifiers: ClinVar variation 1950051 (VCV001950051.2), dbSNP rs1758834263, ClinGen allele CA362734580.
Genomic context (GRCh38, chr6:5,368,683, plus strand): 5'-GTAAGGCCAGTCACATCTCCAGAGGCCATCAGCACCAGGCCTGGGGATCGAGGCCTCCTG[C>A]AGCAGAGTGTGCCACCCAAAGAGCTCCAGGCAGTGTGGTGGAGCTGCTGGGCAAATCCTA-3'
Protein context (NP_006558.1, residues 28-48): QHQAWGSRPP[Ala38Glu]AECATQRAPG